The following is an entry in ClinVar:

ClinVar aggregate classification (germline): Uncertain significance (1 of 4 stars; one submission).

Conditions:
Baller-Gerold syndrome (BGS). Also called: CRANIOSYNOSTOSIS WITH RADIAL DEFECTS. Identifiers: Orphanet 1225, MedGen C0265308, MONDO:0009039, OMIM 218600.

Allele frequency attached by ClinVar (database versions not stated): gnomAD exomes below 0.00001.

Submission:

Labcorp Genetics (formerly Invitae), Labcorp
Classification: Uncertain significance for Baller-Gerold syndrome. Last evaluated: 2023-08-27. Review status: criteria provided, single submitter. Criteria: Invitae Variant Classification Sherloc (09022015). Collection method: clinical testing. Allele origin: germline.
Comment: In summary, the available evidence is currently insufficient to determine the role of this variant in disease. Therefore, it has been classified as a Variant of Uncertain Significance. Variants that disrupt the consensus splice site are a relatively common cause of aberrant splicing (PMID: 17576681, 9536098). Algorithms developed to predict the effect of sequence changes on RNA splicing suggest that this variant may disrupt the consensus splice site. This variant has not been reported in the literature in individuals affected with RECQL4-related conditions. This variant is not present in population databases (gnomAD no frequency). This sequence change falls in intron 1 of the RECQL4 gene. It does not directly change the encoded amino acid sequence of the RECQL4 protein. It affects a nucleotide within the consensus splice site.

Literature cited by the submitters: PubMed 17576681; PubMed 9536098.

NM_004260.4(RECQL4):c.84+2dup

Genes: RECQL4 (RecQ like helicase 4; minus strand), LOC130001411 (ATAC-STARR-seq lymphoblastoid silent region 19699; plus strand). Cytogenetic location: 8q24.3.
Variant type: Duplication.
Coding change: c.84+2dup on transcript NM_004260.4 (MANE Select); the canonical splice donor site of the intron after coding-DNA position 84, one base duplicated (T; older notation c.84+2dupT).
Molecular consequence: splice donor variant. On other transcripts: 5 prime UTR variant (14).
Genome position (GRCh38, 1-based): chr8:144,517,699, A duplicated on the plus strand (T on the coding strand, the reverse complement: RECQL4 is on the minus strand). VCF-style (leftmost placement, unchanged base first): chr8-144517698-C-CA. GRCh37 (hg19) VCF-style: chr8-145743082-C-CA.
Other names: c.-700dup (NM_001413021.1); c.-1051dup (NM_001413022.1, NM_001413023.1, NM_001413037.1 and 2 more transcripts); c.-948dup (NM_001413024.1); c.-776dup (NM_001413028.1); c.-1113dup (NM_001413030.1, NM_001413031.1, NM_001413041.1); c.-955dup (NM_001413034.1); c.-956dup (NM_001413040.1); c.-1320dup (NM_001413043.1); and 4 more.
Identifiers: ClinVar variation 2755704 (VCV002755704.3), dbSNP rs2538132301, ClinGen allele CA2579283315.